The following is an entry in ClinVar:

NM_000969.5(RPL5):c.48C>A (p.Tyr16Ter)

Genes: DIPK1A (divergent protein kinase domain 1A; minus strand), RPL5 (ribosomal protein L5; plus strand). Cytogenetic location: 1p22.1.
Variant type: single nucleotide variant.
Coding change: c.48C>A on transcript NM_000969.5 (MANE Select); coding-DNA position 48, C replaced by A.
Protein change: p.Tyr16Ter; replaces tyrosine 16 with a stop codon.
Molecular consequence: nonsense. On other transcripts: non-coding transcript variant (1), intron variant (1).
Genome position (GRCh38, 1-based): chr1:92,833,433, C>A. VCF-style: chr1-92833433-C-A. GRCh37 (hg19) VCF-style: chr1-93298990-C-A.
Other names: c.475-399G>T (NM_001252273.2); short protein forms Y16*.
Identifiers: ClinVar variation 1743930 (VCV001743930.2), dbSNP rs148673599, ClinGen allele CA26756932.
Genomic context (GRCh38, chr1:92,833,433, plus strand): 5'-TTCTTTTTTCTTTAAGGGGTTTGTTAAAGTTGTTAAGAATAAGGCCTACTTTAAGAGATA[C>A]CAAGTGAAATTTAGAAGACGACGAGGTACTGTCACCTTTTTGTGTTTACAATATTAATCT-3'

ClinVar aggregate classification (germline): Pathogenic (1 of 4 stars; one submission).

Conditions:
Diamond-Blackfan anemia. Also called: Aase syndrome; Blackfan Diamond syndrome; Aregenerative anemia chronic congenital; Red cell aplasia, pure hereditary; Congenital hypoplastic anemia. Identifiers: Orphanet 124, MedGen C1260899, MeSH D029503, MONDO:0015253, HP:0004810.

Submission:

Ambry Genetics
Classification: Pathogenic for Diamond-Blackfan anemia. Last evaluated: 2015-09-04. Review status: criteria provided, single submitter. Criteria: Ambry Variant Classification Scheme 2023. Collection method: clinical testing. Allele origin: germline.
Comment: The p.Y16* pathogenic mutation (also known as c.48C>A), located in coding exon 2 of the RPL5 gene, results from a C to A substitution at nucleotide position 48. This changes the amino acid from a tyrosine to a stop codon within coding exon 2. In addition to the clinical data presented in the literature, since premature stop codons are typically deleterious in nature, this alteration is interpreted as a disease-causing mutation (ACMG Recommendations for Standards for Interpretation and Reporting of Sequence Variations. Revision 2007. Genet Med. 2008;10:294).

Literature cited by the submitters: PubMed 19061985; PubMed 20960466.